The following is an entry in ClinVar:

NM_000059.4(BRCA2):c.8412C>T (p.Pro2804=)

Gene: BRCA2 (BRCA2 DNA repair associated; plus strand). Cytogenetic location: 13q13.1.
Variant type: single nucleotide variant.
Coding change: c.8412C>T on transcript NM_000059.4 (MANE Select); coding-DNA position 8412, C replaced by T.
Protein change: p.Pro2804=; no amino-acid change (proline 2804 retained).
Molecular consequence: synonymous variant.
Genome position (GRCh38, 1-based): chr13:32,370,482, C>T. VCF-style: chr13-32370482-C-T. GRCh37 (hg19) VCF-style: chr13-32944619-C-T.
Identifiers: ClinVar variation 427516 (VCV000427516.5), dbSNP rs780514435, ClinGen allele CA6941228.

ClinVar aggregate classification (germline): Likely benign. Review status: reviewed by expert panel (3 of 4 stars). 3 submissions from 3 submitters: Likely benign (1). 2 of the submissions do not count toward it. Last evaluated 2017-06-29.

Conditions:
Hereditary cancer-predisposing syndrome. Also called: Hereditary neoplastic syndrome; Hereditary Cancer Syndrome; Neoplastic Syndromes, Hereditary; Tumor predisposition. Identifiers: Orphanet 140162, MedGen C0027672, MeSH D009386, MONDO:0015356.
Breast-ovarian cancer, familial, susceptibility to, 2 (BROVCA2). Also called: BRCA2 Hereditary Breast and Ovarian Cancer. Identifiers: Orphanet 145, MedGen C2675520, MONDO:0012933, OMIM 612555. Disease mechanism: loss of function.

Allele frequency attached by ClinVar (database versions not stated): gnomAD exomes below 0.00001 and 0.00001; ExAC 0.00001.
gnomAD v4.1: 4 of 1,613,858 alleles (0.00025%); highest among the groups gnomAD compares: South Asian, 0.0044%; no homozygotes.

Submissions (3):

Evidence-based Network for the Interpretation of Germline Mutant Alleles (ENIGMA)
Classification: Likely benign for Breast-ovarian cancer, familial, susceptibility to, 2. Last evaluated: 2017-06-29. Review status: reviewed by expert panel. Criteria: ENIGMA BRCA1/2 Classification Criteria (2017-06-29). Collection method: curation. Allele origin: germline.
Comment: Synonymous substitution variant, with low bioinformatic likelihood to result in a splicing aberration (Splicing prior probability 0.02).

Ambry Genetics
Classification: Likely benign for Hereditary cancer-predisposing syndrome. Last evaluated: 2024-02-28. Review status: criteria provided, single submitter. Criteria: Ambry Variant Classification Scheme 2023. Collection method: clinical testing. Allele origin: germline. Not counted in ClinVar's aggregate classification.

Quest Diagnostics Nichols Institute San Juan Capistrano
Classification: Likely benign. Last evaluated: 2020-02-27. Review status: criteria provided, single submitter. Criteria: Quest Diagnostics criteria. Collection method: clinical testing. Allele origin: unknown. Not counted in ClinVar's aggregate classification.